The following is an entry in ClinVar:

ClinVar aggregate classification (germline): Pathogenic (1 of 4 stars; one submission).

Conditions:
Hereditary cancer-predisposing syndrome. Also called: Hereditary Cancer Syndrome; Hereditary neoplastic syndrome; Neoplastic Syndromes, Hereditary; Tumor predisposition. Identifiers: Orphanet 140162, MedGen C0027672, MeSH D009386, MONDO:0015356.

Submission:

Ambry Genetics
Classification: Pathogenic for Hereditary cancer-predisposing syndrome. Last evaluated: 2021-11-11. Review status: criteria provided, single submitter. Criteria: Ambry Variant Classification Scheme 2023. Collection method: clinical testing. Allele origin: germline.
Comment: The c.9603delG pathogenic mutation, located in coding exon 25 of the BRCA2 gene, results from a deletion of one nucleotide at nucleotide position 9603, causing a translational frameshift with a predicted alternate stop codon (p.P3202Rfs*15). This alteration occurs at the 3' terminus of BRCA2 gene, is not expected to trigger nonsense-mediated mRNA decay, and only impacts the last 217 amino acids of the protein. However, premature stop codons are typically deleterious in nature and the impacted region is critical for protein function (Ambry internal data). This variant is considered to be rare based on population cohorts in the Genome Aggregation Database (gnomAD). Based on the supporting evidence, this alteration is interpreted as a disease-causing mutation.

NM_000059.4(BRCA2):c.9603del (p.Pro3202fs)

Gene: BRCA2 (BRCA2 DNA repair associated; plus strand). Cytogenetic location: 13q13.1.
Variant type: Deletion.
Coding change: c.9603del on transcript NM_000059.4 (MANE Select); coding-DNA position 9603, one base deleted (G; older notation c.9603delG).
Protein change: p.Pro3202fs; shifts the reading frame from proline 3202.
Molecular consequence: frameshift variant.
Genome position (GRCh38, 1-based): chr13:32,396,999, G deleted; the last of 3 consecutive G bases (chr13:32,396,997-32,396,999); deleting any one gives the same sequence. VCF-style (leftmost placement, unchanged base first): chr13-32396996-AG-A. GRCh37 (hg19) VCF-style: chr13-32971133-AG-A.
Other names: c.9507delG, p.Pro3170Argfs (NM_001406719.1); c.9552delG, p.Pro3185Argfs (NM_001406720.1); c.4671delG, p.Pro1558Argfs (NM_001406721.1); c.3186delG, p.Pro1063Argfs (NM_001406722.1); short protein forms P3202fs.
Identifiers: ClinVar variation 1767540 (VCV001767540.2), dbSNP rs2548563785, ClinGen allele CA2580087413.